The following is an entry in ClinVar:

ClinVar aggregate classification (germline): Uncertain significance (1 of 4 stars; one submission).

Submission:

GeneDx
Classification: Uncertain significance. Last evaluated: 2026-03-31. Review status: criteria provided, single submitter. Criteria: GeneDx Variant Classification Process June 2021. Collection method: clinical testing. Allele origin: germline.
Comment: Not observed at significant frequency in large population cohorts (gnomAD); In silico analysis supports that this missense variant has a deleterious effect on protein structure/function; Has not been previously published as pathogenic or benign to our knowledge.

NM_003128.3(SPTBN1):c.4955C>T (p.Ser1652Phe)

Gene: SPTBN1 (spectrin beta, non-erythrocytic 1; plus strand). Cytogenetic location: 2p16.2.
Variant type: single nucleotide variant.
Coding change: c.4955C>T on transcript NM_003128.3 (MANE Select); coding-DNA position 4955, C replaced by T.
Protein change: p.Ser1652Phe; replaces serine 1652 with phenylalanine.
Molecular consequence: missense variant.
Genome position (GRCh38, 1-based): chr2:54,647,219, C>T. VCF-style: chr2-54647219-C-T. GRCh37 (hg19) VCF-style: chr2-54874356-C-T.
Other names: c.4916C>T, p.Ser1639Phe (NM_178313.3); short protein forms S1639F, S1652F.
Identifiers: ClinVar variation 5017714 (VCV005017714.1).